The following is an entry in ClinVar:

ClinVar aggregate classification (germline): Uncertain significance (1 of 4 stars; one submission).

Conditions:
Hereditary cancer-predisposing syndrome. Also called: Hereditary Cancer Syndrome; Neoplastic Syndromes, Hereditary; Tumor predisposition; Hereditary neoplastic syndrome. Identifiers: Orphanet 140162, MedGen C0027672, MeSH D009386, MONDO:0015356.

Submission:

Ambry Genetics
Classification: Uncertain significance for Hereditary cancer-predisposing syndrome. Last evaluated: 2022-09-27. Review status: criteria provided, single submitter. Criteria: Ambry Variant Classification Scheme 2023. Collection method: clinical testing. Allele origin: germline.
Comment: The p.L1816F variant (also known as c.5448G>T), located in coding exon 15 of the APC gene, results from a G to T substitution at nucleotide position 5448. The leucine at codon 1816 is replaced by phenylalanine, an amino acid with highly similar properties. This amino acid position is conserved. In addition, in silico predictors for this gene do not accurately predict pathogenicity. Since supporting evidence is limited at this time, the clinical significance of this alteration remains unclear.

NM_000038.6(APC):c.5448G>T (p.Leu1816Phe)

Gene: APC (APC regulator of Wnt signaling pathway; plus strand). Cytogenetic location: 5q22.2.
Variant type: single nucleotide variant.
Coding change: c.5448G>T on transcript NM_000038.6 (MANE Select); coding-DNA position 5448, G replaced by T.
Protein change: p.Leu1816Phe; replaces leucine 1816 with phenylalanine.
Molecular consequence: missense variant.
Genome position (GRCh38, 1-based): chr5:112,841,042, G>T. VCF-style: chr5-112841042-G-T. GRCh37 (hg19) VCF-style: chr5-112176739-G-T.
Other names: c.5448G>T, p.Leu1816Phe (NM_001354895.2, NM_001127510.3, NM_001407450.1); c.5394G>T, p.Leu1798Phe (NM_001127511.3); c.5502G>T, p.Leu1834Phe (NM_001354896.2, NM_001407447.1, NM_001407448.1 and 1 more transcripts); c.5478G>T, p.Leu1826Phe (NM_001354897.2); c.5373G>T, p.Leu1791Phe (NM_001354898.2); c.5364G>T, p.Leu1788Phe (NM_001354899.2); c.5325G>T, p.Leu1775Phe (NM_001354900.2); c.5271G>T, p.Leu1757Phe (NM_001354901.2, NM_001407453.1); and 11 more; short protein forms L1656F, L1715F, L1733F, L1757F, L1775F, L1816F, L1834F, L1533F.
Identifiers: ClinVar variation 1747580 (VCV001747580.2), dbSNP rs2149940450, ClinGen allele CA16033246.